The following is an entry in ClinVar:

NM_022098.4(XPNPEP3):c.*6201A>T

Gene: XPNPEP3 (X-prolyl aminopeptidase 3; plus strand). Cytogenetic location: 22q13.2.
Variant type: single nucleotide variant.
Coding change: c.*6201A>T on transcript NM_022098.4 (MANE Select); 6201 bases downstream of the stop codon, A replaced by T.
Molecular consequence: 3 prime UTR variant.
Genome position (GRCh38, 1-based): chr22:40,932,636, A>T. VCF-style: chr22-40932636-A-T. GRCh37 (hg19) VCF-style: chr22-41328640-A-T.
Other names: NC_000022.10:g.41328640A>T.
Identifiers: ClinVar variation 341763 (VCV000341763.7), dbSNP rs9917, ClinGen allele CA10653544.
Genomic context (GRCh38, chr22:40,932,636, plus strand): 5'-TCAGAGGACCCACTGGAATCAAGGCTTCTTGGAATTGCGCAAGAATCTGAGAAAACTTCA[A>T]TCTTTACCAGCATTTCTTAATGCTTTCCATGACTTTTGTGCAATTATATAAGTTCAGTTT-3'

ClinVar aggregate classification (germline): Benign. Review status: criteria provided, multiple submitters, no conflicts (2 of 4 stars). 2 submissions from 2 submitters: Benign (2). Last evaluated 2018-01-13.

Conditions:
Nephronophthisis-like nephropathy 1 (NPHPL1). Identifiers: Orphanet 655, MedGen C3150419, MONDO:0013163, OMIM 613159.

Allele frequency attached by ClinVar (database versions not stated): gnomAD 0.04498; 1000 Genomes Project 30x 0.04731; TOPMed 0.04988; 1000 Genomes Project 0.04493.

Submissions (4):

Illumina Laboratory Services, Illumina
Classification: Benign for Nephronophthisis-like nephropathy 1. Last evaluated: 2018-01-13. Review status: criteria provided, single submitter. Criteria: ICSL Variant Classification Criteria 13 December 2019. Collection method: clinical testing. Allele origin: germline.
Comment: This variant was observed in the ICSL laboratory as part of a predisposition screen in an ostensibly healthy population. It had not been previously curated by ICSL or reported in the Human Gene Mutation Database (HGMD: prior to June 1st, 2018), and was therefore a candidate for classification through an automated scoring system. Utilizing variant allele frequency, disease prevalence and penetrance estimates, and inheritance mode, an automated score was calculated to assess if this variant is too frequent to cause the disease. Based on the score and internal cut-off values, a variant classified as benign is not then subjected to further curation. The score for this variant resulted in a classification of benign for this disease.

Breakthrough Genomics
Classification: Benign. Review status: criteria provided, single submitter. Criteria: ACMG Guidelines, 2015. Collection method: not provided. Allele origin: germline. Inheritance: Autosomal recessive inheritance. Affected: yes.

Dr. Peter K. Rogan Lab, Western University
No classification provided (evidence only). Condition: Ovarian serous cystadenocarcinoma. Review status: no classification provided. Collection method: in vitro. Allele origin: not applicable. Functional consequence: retained intron. Not counted in ClinVar's aggregate classification.

Dr. Peter K. Rogan Lab, Western University
No classification provided (evidence only). Condition: Ovarian serous cystadenocarcinoma. Review status: no classification provided. Collection method: in vitro. Allele origin: not applicable. Functional consequence: retained intron. Not counted in ClinVar's aggregate classification.